The following is an entry in ClinVar:

ClinVar aggregate classification (germline): Likely benign (0 of 4 stars; one submission).

Conditions:
HUWE1-related disorder. Also called: HUWE1-related condition.

Submission:

PreventionGenetics, part of Exact Sciences
Classification: Likely benign for HUWE1-related condition. Last evaluated: 2023-11-10. Review status: no assertion criteria provided. Collection method: clinical testing. Allele origin: germline.
Comment: This variant is classified as likely benign based on ACMG/AMP sequence variant interpretation guidelines (Richards et al. 2015 PMID: 25741868, with internal and published modifications).

NM_031407.7(HUWE1):c.8206+5C>G

Gene: HUWE1 (HECT, UBA and WWE domain containing E3 ubiquitin protein ligase 1; minus strand). Cytogenetic location: Xp11.22.
Variant type: single nucleotide variant.
Coding change: c.8206+5C>G on transcript NM_031407.7 (MANE Select); 5 bases into the intron after coding-DNA position 8206, C replaced by G.
Molecular consequence: intron variant.
Genome position (GRCh38, 1-based): chrX:53,557,377, G>C on the plus strand (C>G on the coding strand, the complement: HUWE1 is on the minus strand). VCF-style: chrX-53557377-G-C. GRCh37 (hg19) VCF-style: chrX-53584338-G-C.
Identifiers: ClinVar variation 3045485 (VCV003045485.2), dbSNP rs1380947738, ClinGen allele CA2579617249.